The following is an entry in ClinVar:

ClinVar aggregate classification (germline): Uncertain significance (1 of 4 stars; one submission).

Submission:

GeneDx
Classification: Uncertain significance. Last evaluated: 2025-06-20. Review status: criteria provided, single submitter. Criteria: GeneDx Variant Classification Process June 2021. Collection method: clinical testing. Allele origin: germline. Affected: yes.
Comment: Not observed at significant frequency in large population cohorts (gnomAD); In silico analysis supports that this missense variant has a deleterious effect on protein structure/function; Has not been previously published as pathogenic or benign to our knowledge

NM_020928.2(ZSWIM6):c.3140A>G (p.Tyr1047Cys)

Gene: ZSWIM6 (zinc finger SWIM-type containing 6; plus strand). Cytogenetic location: 5q12.1.
Variant type: single nucleotide variant.
Coding change: c.3140A>G on transcript NM_020928.2 (MANE Select); coding-DNA position 3140, A replaced by G.
Protein change: p.Tyr1047Cys; replaces tyrosine 1047 with cysteine.
Molecular consequence: missense variant.
Genome position (GRCh38, 1-based): chr5:61,543,809, A>G. VCF-style: chr5-61543809-A-G. GRCh37 (hg19) VCF-style: chr5-60839636-A-G.
Other names: short protein forms Y1047C.
Identifiers: ClinVar variation 4538949 (VCV004538949.1).